The following is an entry in ClinVar:

NM_181507.2(HPS5):c.241G>A (p.Ala81Thr)

Gene: HPS5 (HPS5 biogenesis of lysosomal organelles complex 2 subunit 2; minus strand). Cytogenetic location: 11p15.1.
Variant type: single nucleotide variant.
Coding change: c.241G>A on transcript NM_181507.2 (MANE Select); coding-DNA position 241, G replaced by A.
Protein change: p.Ala81Thr; replaces alanine 81 with threonine.
Molecular consequence: missense variant. On other transcripts: 5 prime UTR variant (1).
Genome position (GRCh38, 1-based): chr11:18,311,430, C>T on the plus strand (G>A on the coding strand, the complement: HPS5 is on the minus strand). VCF-style: chr11-18311430-C-T. GRCh37 (hg19) VCF-style: chr11-18332977-C-T.
Other names: c.-102G>A (NM_007216.4, NM_181508.2); short protein forms A81T.
Identifiers: ClinVar variation 303898 (VCV000303898.25), dbSNP rs147053126, ClinGen allele CA5910496.

ClinVar aggregate classification (germline): Conflicting classifications of pathogenicity. Review status: criteria provided, conflicting classifications (1 of 4 stars). 7 submissions from 7 submitters: Uncertain significance (2); Likely benign (3). 2 of the submissions do not count toward it. Last evaluated 2026-02-04.

Conditions:
HPS5-related disorder. Also called: HPS5-related condition.
Hermansky-Pudlak syndrome 5 (HPS5). Identifiers: Orphanet 231512, Orphanet 79430, MedGen C3888004, MONDO:0013557, OMIM 614074.

Allele frequency attached by ClinVar (database versions not stated): gnomAD 0.00102; 1000 Genomes Project 0.00140; ESP Exome Variant Server 0.00146; ExAC 0.00153; 1000 Genomes Project 30x 0.00156; gnomAD exomes 0.00165; TOPMed 0.00168.
gnomAD v4.1: 3,603 of 1,608,378 alleles (0.22%); highest among the groups gnomAD compares: South Asian, 0.33%; 6 homozygotes.

Submissions (7):

Labcorp Genetics (formerly Invitae), Labcorp
Classification: Likely benign. Last evaluated: 2026-02-04. Review status: criteria provided, single submitter. Criteria: Invitae Variant Classification Sherloc (09022015). Collection method: clinical testing. Allele origin: germline.

Blueprint Genetics
Classification: Likely benign. Last evaluated: 2024-11-19. Review status: criteria provided, single submitter. Criteria: ACMG Guidelines, 2015. Collection method: clinical testing. Allele origin: germline.

Revvity Omics, Revvity
Classification: Likely benign for Hermansky-Pudlak syndrome 5. Last evaluated: 2024-10-01. Review status: criteria provided, single submitter. Criteria: ACMG Guidelines, 2015. Collection method: clinical testing. Allele origin: germline.

Illumina Laboratory Services, Illumina
Classification: Uncertain significance for Hermansky-Pudlak syndrome 5. Last evaluated: 2018-01-13. Review status: criteria provided, single submitter. Criteria: ICSL Variant Classification Criteria 13 December 2019. Collection method: clinical testing. Allele origin: germline.

Genetic Services Laboratory, University of Chicago
Classification: Uncertain significance. Last evaluated: 2016-05-03. Review status: criteria provided, single submitter. Criteria: ACMG Guidelines, 2015. Collection method: clinical testing. Allele origin: germline. Affected: no.

PreventionGenetics, part of Exact Sciences
Classification: Likely benign for HPS5-related condition. Last evaluated: 2022-04-21. Review status: no assertion criteria provided. Collection method: clinical testing. Allele origin: germline. Not counted in ClinVar's aggregate classification.
Comment: This variant is classified as likely benign based on ACMG/AMP sequence variant interpretation guidelines (Richards et al. 2015 PMID: 25741868, with internal and published modifications).

Department of Pathology and Laboratory Medicine, Sinai Health System
Classification: Likely benign. Review status: no assertion criteria provided. Collection method: clinical testing. Allele origin: unknown. Affected: yes. Study: The Canadian Open Genetics Repository (COGR). Not counted in ClinVar's aggregate classification.
Comment: The HPS5 p.Ala81Thr variant was not identified in the literature nor was it identified in Cosmic or LOVD 3.0. The variant was identified in dbSNP (ID: rs147053126) and ClinVar (classified as a VUS by Illumina Clinical Services and University of Chicago Genetics Services Laboratory for Hermansky-Pudlak Syndrome). The variant was identified in control databases in 444 of 281254 chromosomes (2 homozygous) at a frequency of 0.001579 increasing the likelihood this could be a low frequency benign variant (Genome Aggregation Database Feb 27, 2017). The variant was observed in the following populations: South Asian in 93 of 30314 chromosomes (freq: 0.003068), European (non-Finnish) in 265 of 128834 chromosomes (freq: 0.002057), Latino in 56 of 34854 chromosomes (freq: 0.001607), Other in 11 of 7166 chromosomes (freq: 0.001535), African in 13 of 24908 chromosomes (freq: 0.000522), European (Finnish) in 5 of 25058 chromosomes (freq: 0.0002) and East Asian in 1 of 19768 chromosomes (freq: 0.000051); it was not observed in the Ashkenazi Jewish population. The p.Ala81 residue is conserved in mammals and computational analyses (PolyPhen-2, SIFT, AlignGVGD, BLOSUM, MutationTaster) provide inconsistent predictions regarding the impact to the protein; this information is not very predictive of pathogenicity. The variant occurs outside of the splicing consensus sequence and in silico or computational prediction software programs (SpliceSiteFinder, MaxEntScan, NNSPLICE, GeneSplicer) do not predict a difference in splicing. In summary, based on the above information the clinical significance of this variant cannot be determined with certainty at this time although we would lean towards a more benign role for this variant. This variant is classified as likely benign.